The following is an entry in ClinVar:

NM_004522.3(KIF5C):c.960C>T (p.Phe320=)

Gene: KIF5C (kinesin family member 5C; plus strand). Cytogenetic location: 2q23.1.
Variant type: single nucleotide variant.
Coding change: c.960C>T on transcript NM_004522.3 (MANE Select); coding-DNA position 960, C replaced by T.
Protein change: p.Phe320=; no amino-acid change (phenylalanine 320 retained).
Molecular consequence: synonymous variant. On other transcripts: non-coding transcript variant (1).
Genome position (GRCh38, 1-based): chr2:148,950,454, C>T. VCF-style: chr2-148950454-C-T. GRCh37 (hg19) VCF-style: chr2-149806968-C-T.
Identifiers: ClinVar variation 3052973 (VCV003052973.2), dbSNP rs764512878, ClinGen allele CA1901341.

ClinVar aggregate classification (germline): Likely benign (0 of 4 stars; one submission).

Conditions:
KIF5C-related disorder. Also called: KIF5C-related condition.

Allele frequency attached by ClinVar (database versions not stated): ExAC 0.00002; gnomAD exomes 0.00004; TOPMed 0.00004; gnomAD 0.00006.
gnomAD v4.1: 65 of 1,613,234 alleles (0.004%); highest among the groups gnomAD compares: Middle Eastern, 0.082%; 1 homozygote.

Submission:

PreventionGenetics, part of Exact Sciences
Classification: Likely benign for KIF5C-related condition. Last evaluated: 2019-09-04. Review status: no assertion criteria provided. Collection method: clinical testing. Allele origin: germline.
Comment: This variant is classified as likely benign based on ACMG/AMP sequence variant interpretation guidelines (Richards et al. 2015 PMID: 25741868, with internal and published modifications).